The following is an entry in ClinVar:

NM_005609.4(PYGM):c.1A>T (p.Met1Leu)

Gene: PYGM (glycogen phosphorylase, muscle associated; minus strand). Cytogenetic location: 11q13.1.
Variant type: single nucleotide variant.
Coding change: c.1A>T on transcript NM_005609.4 (MANE Select); coding-DNA position 1, A replaced by T.
Protein change: p.Met1Leu; changes the start codon (methionine 1).
Molecular consequence: missense variant, initiator codon variant.
Genome position (GRCh38, 1-based): chr11:64,759,898, T>A on the plus strand (A>T on the coding strand, the complement: PYGM is on the minus strand). VCF-style: chr11-64759898-T-A. GRCh37 (hg19) VCF-style: chr11-64527370-T-A.
Other names: c.1A>T, p.Met1Leu (NM_001164716.1); c.1A>T (NM_005609.3); short protein forms M1L.
Identifiers: ClinVar variation 553271 (VCV000553271.8), dbSNP rs267606993, ClinGen allele CA381113509.

ClinVar aggregate classification (germline): Pathogenic/Likely pathogenic. Review status: criteria provided, multiple submitters, no conflicts (2 of 4 stars). 3 submissions from 3 submitters: Pathogenic (1); Likely pathogenic (1). 1 of the submissions does not count toward it. Last evaluated 2024-11-07.

Conditions:
Glycogen storage disease, type V (GSD5). Also called: MCARDLE DISEASE; MUSCLE GLYCOGEN PHOSPHORYLASE DEFICIENCY; MYOPHOSPHORYLASE DEFICIENCY; PYGM DEFICIENCY; McArdle type glycogen storage disease. Identifiers: Orphanet 368, MedGen C0017924, MONDO:0009293, OMIM 232600.

Submissions (3):

Natera, Inc.
Classification: Likely pathogenic for Glycogen storage disease V. Last evaluated: 2024-11-07. Review status: criteria provided, single submitter. Criteria: Natera Variant Classification Schema (03/2026). Collection method: clinical testing. Allele origin: germline.
Comment: The c.1A>T variant in PYGM is predicted to result in start loss due to disruption of the initiator methionine. This variant is expected to result in nonsense mediated decay, truncation, or a dysfunctional protein product. This variant is rare in the general population with a frequency below the threshold expected for the associated phenotype(s). Given the available evidence, this variant is classified as Likely Pathogenic.

Labcorp Genetics (formerly Invitae), Labcorp
Classification: Pathogenic for Glycogen storage disease, type V. Last evaluated: 2022-05-15. Review status: criteria provided, single submitter. Criteria: Invitae Variant Classification Sherloc (09022015). Collection method: clinical testing. Allele origin: germline.
Comment: This sequence change affects the initiator methionine of the PYGM mRNA. The next in-frame methionine is located at codon 92. This variant is not present in population databases (gnomAD no frequency). Disruption of the initiator codon has been observed in individuals with McArdle disease (PMID: 7951262, 9506549, 25740218, 28967462). ClinVar contains an entry for this variant (Variation ID: 553271). For these reasons, this variant has been classified as Pathogenic.

Counsyl
Classification: Pathogenic for Glycogen storage disease, type V. Last evaluated: 2017-08-10. Review status: no assertion criteria provided. Collection method: clinical testing. Allele origin: unknown. Not counted in ClinVar's aggregate classification.

Literature cited by the submitters: PubMed 7951262 (cited by Labcorp Genetics (formerly Invitae), Labcorp and Counsyl); PubMed 9506549 (cited by Labcorp Genetics (formerly Invitae), Labcorp and Counsyl); PubMed 25740218 (cited by Labcorp Genetics (formerly Invitae), Labcorp); PubMed 28967462 (cited by Labcorp Genetics (formerly Invitae), Labcorp).